The following is an entry in ClinVar:

NM_000181.4(GUSB):c.251A>G (p.Asn84Ser)

Gene: GUSB (glucuronidase beta; minus strand). Cytogenetic location: 7q11.21.
Variant type: single nucleotide variant.
Coding change: c.251A>G on transcript NM_000181.4 (MANE Select); coding-DNA position 251, A replaced by G.
Protein change: p.Asn84Ser; replaces asparagine 84 with serine.
Molecular consequence: missense variant. On other transcripts: 5 prime UTR variant (2), non-coding transcript variant (1).
Genome position (GRCh38, 1-based): chr7:65,980,369, T>C on the plus strand (A>G on the coding strand, the complement: GUSB is on the minus strand). VCF-style: chr7-65980369-T-C. GRCh37 (hg19) VCF-style: chr7-65445356-T-C.
Other names: c.251A>G, p.Asn84Ser (NM_001284290.2); c.-135A>G (NM_001293104.2); c.-79A>G (NM_001293105.2); short protein forms N84S.
Identifiers: ClinVar variation 2041338 (VCV002041338.3), dbSNP rs765042077, ClinGen allele CA4276700.

ClinVar aggregate classification (germline): Uncertain significance (1 of 4 stars; one submission).

Conditions:
Mucopolysaccharidosis type 7 (MPS7). Also called: GUSB DEFICIENCY; SLY SYNDROME; MPS VII; BETA-GLUCURONIDASE DEFICIENCY. Identifiers: Orphanet 584, MedGen C0085132, MONDO:0009662, OMIM 253220.

Allele frequency attached by ClinVar (database versions not stated): gnomAD exomes below 0.00001; ExAC 0.00001; gnomAD 0.00001; TOPMed 0.00001.
gnomAD v4.1: 5 of 1,613,788 alleles (0.00031%); highest among the groups gnomAD compares: African/African-American, 0.0013%; no homozygotes.

Submission:

Labcorp Genetics (formerly Invitae), Labcorp
Classification: Uncertain significance for Mucopolysaccharidosis type 7. Last evaluated: 2022-07-21. Review status: criteria provided, single submitter. Criteria: Invitae Variant Classification Sherloc (09022015). Collection method: clinical testing. Allele origin: germline.
Comment: In summary, the available evidence is currently insufficient to determine the role of this variant in disease. Therefore, it has been classified as a Variant of Uncertain Significance. Algorithms developed to predict the effect of missense changes on protein structure and function are either unavailable or do not agree on the potential impact of this missense change (SIFT: "Deleterious"; PolyPhen-2: "Probably Damaging"; Align-GVGD: "Class C0"). This variant has not been reported in the literature in individuals affected with GUSB-related conditions. This variant is present in population databases (rs765042077, gnomAD 0.0009%). This sequence change replaces asparagine, which is neutral and polar, with serine, which is neutral and polar, at codon 84 of the GUSB protein (p.Asn84Ser).